The following is an entry in ClinVar:

NM_000402.4(G6PD):c.1466G>T (p.Arg489Leu)

Gene: G6PD (glucose-6-phosphate dehydrogenase; minus strand). Cytogenetic location: Xq28.
Variant type: single nucleotide variant.
Coding change: c.1466G>T on transcript NM_000402.4; coding-DNA position 1466, G replaced by T.
Protein change: p.Arg489Leu; replaces arginine 489 with leucine.
Molecular consequence: missense variant.
Genome position (GRCh38, 1-based): chrX:154,532,269, C>A on the plus strand (G>T on the coding strand, the complement: G6PD is on the minus strand). VCF-style: chrX-154532269-C-A. GRCh37 (hg19) VCF-style: chrX-153760484-C-A.
Other names: G6PD, ARG459LEU; G6PD Agrigento; G6PD Canton; G6PD Gifu; G6PD Taiwan-Hakka; c.1376G>T, p.Arg459Leu (NM_001042351.3, NM_001360016.2); short protein forms R459L, R489L.
Identifiers: ClinVar variation 100058 (VCV000100058.57), dbSNP rs72554665, ClinGen allele CA120979.

ClinVar aggregate classification (germline): Pathogenic. Review status: criteria provided, multiple submitters, no conflicts (2 of 4 stars). 28 submissions from 25 submitters: Pathogenic (21). 7 of the submissions do not count toward it. Last evaluated 2026-04-01.

Conditions:
G6PD-related disorders.
G6PD-related disorder. Also called: G6PD-related condition.
Malaria, susceptibility to. Identifiers: Orphanet 673, MedGen C1970028, MONDO:0021024, OMIM 611162.
Anemia, nonspherocytic hemolytic, due to G6PD deficiency (CNSHA1). Also called: Hemolytic anemia due to G6PD deficiency; ANEMIA, CONGENITAL, NONSPHEROCYTIC HEMOLYTIC, 1; Class I glucose-6-phosphate dehydrogenase deficiency; Favism, susceptibility to. Identifiers: Orphanet 466026, MedGen C2720289, MONDO:0010480, OMIM 300908.
Type 2 diabetes mellitus. Also called: Type II diabetes mellitus. Identifiers: MedGen C0011860, MeSH D003924, MONDO:0005148, OMIM 125853, HP:0005978.
G6PD CANTON.
G6PD GIFU.
G6PD AGRIGENTO.
G6PD TAIWAN-HAKKA.
G6PD deficiency. Also called: G6PD A-. Identifiers: MedGen C2939465, MONDO:0005775.

Allele frequency attached by ClinVar (database versions not stated): gnomAD 0.00046; TOPMed 0.00045; 1000 Genomes Project 30x 0.00125; 1000 Genomes Project 0.00159.
gnomAD v4.1: 161 of 1,209,798 alleles (0.013%); highest among the groups gnomAD compares: East Asian, 0.45%; no homozygotes.

Submissions 1 to 11 of 28:

CeGaT Center for Human Genetics Tuebingen
Classification: Pathogenic. Last evaluated: 2026-04-01. Review status: criteria provided, single submitter. Criteria: CeGaT Center For Human Genetics Tuebingen Variant Classification Criteria Version 2. Collection method: clinical testing. Allele origin: germline. Affected: yes. Observed: 1 variant allele.
Comment: G6PD: PS4, PM1, PM5, PP3, PS3:Supporting

Department of Otolaryngology Head and Neck Surgery, Hainan Hospital of the Chinese People’s Liberation Army General Hospital
Classification: Pathogenic for Anemia, nonspherocytic hemolytic, due to G6PD deficiency. Last evaluated: 2026-02-01. Review status: criteria provided, single submitter. Criteria: ACMG Guidelines, 2015. Collection method: clinical testing. Allele origin: germline. Affected: yes.
Comment: This variant is a single nucleotide substitution in the G6PD gene (NM_001042351.2:c.1376G>T, p.Arg459Leu), commonly known as the G6PD Canton mutation. This missense change results in an arginine-to-leucine substitution at codon 459 of the glucose-6-phosphate dehydrogenase enzyme. G6PD Canton is one of the most prevalent G6PD deficiency mutations in Asian populations, particularly in China. Large population-based studies have shown that c.1376G>T and c.1388G>A are the top two G6PD mutants, accounting for 68.43% of all G6PD-deficient individuals in some Chinese regions. Evolutionary analyses indicate that the c.1376G>T allele originated 3125 to 3750 years ago and has been subject to strong positive selection, likely due to malaria resistance. Individuals hemizygous for this mutation typically present with Class II G6PD deficiency, characterized by severely reduced enzyme activity and clinical manifestations including neonatal jaundice and acute hemolytic anemia, often triggered by oxidative stress from drugs, infections, or fava beans consumption. The classification of this variant as pathogenic is based on its well-established role in reducing G6PD enzyme activity and its clinical significance in causing G6PD deficiency, leading to the characteristic hematological features of this X-linked disorder.

Labcorp Genetics (formerly Invitae), Labcorp
Classification: Pathogenic for Anemia, nonspherocytic hemolytic, due to G6PD deficiency. Last evaluated: 2026-01-21. Review status: criteria provided, single submitter. Criteria: Invitae Variant Classification Sherloc (09022015). Collection method: clinical testing. Allele origin: germline.
Comment: This sequence change replaces arginine, which is basic and polar, with leucine, which is neutral and non-polar, at codon 459 of the G6PD protein (p.Arg459Leu). This variant is present in population databases (rs72554665, gnomAD 1.0%), and has an allele count higher than expected for a pathogenic variant. This missense change has been observed in individual(s) with glucose-6-phosphate deficiency (PMID: 1562739, 2263506, 6714986, 8537082, 10643148, 11499668, 17726510, 20203002, 21446359, 25541721, 25775246, 26823837). It has also been observed to segregate with disease in related individuals. This variant is also known as Canton variant. ClinVar contains an entry for this variant (Variation ID: 100058). Invitae Evidence Modeling of protein sequence and biophysical properties (such as structural, functional, and spatial information, amino acid conservation, physicochemical variation, residue mobility, and thermodynamic stability) has been performed for this missense variant. However, the output from this modeling did not meet the statistical confidence thresholds required to predict the impact of this variant on G6PD protein function. Experimental studies have shown that this missense change affects G6PD function (PMID: 16607506). For these reasons, this variant has been classified as Pathogenic.

Variantyx, Inc.
Classification: Pathogenic for Anemia, nonspherocytic hemolytic, due to G6PD deficiency. Last evaluated: 2025-12-08. Review status: criteria provided, single submitter. Criteria: Variantyx Assertion Criteria 2022. Collection method: clinical testing. Allele origin: maternal. Inheritance: X-linked inheritance.
Comment: This is a nonsynonymous variant in the G6PD gene (OMIM: 305900). Pathogenic variants in this gene have been associated with X-linked hemolytic anemia due to G6PD deficiency (favism). Functional studies have shown that this variant alters G6PD protein function (PMID: 29339739, 16607506) (PS3_Very_Strong), and multiple computational algorithms predict a deleterious effect (REVEL score: 0.7) (PP3). An alternate amino acid change at this position (p.Arg459Pro) has been previously reported in similarly affected individuals, which suggests that this residue is biologically important (PMID: 8447319, 9299858, 23365477) (PM5). This variant has a 0.4471% maximum allele frequency in non-founder control populations. Based on the current evidence, this variant is classified as pathogenic for X-linked hemolytic anemia due to G6PD deficiency (favism).

PreventionGenetics, part of Exact Sciences
Classification: Pathogenic for G6PD-related condition. Last evaluated: 2025-10-19. Review status: criteria provided, single submitter. Criteria: ACMG Guidelines, 2015. Collection method: clinical testing. Allele origin: germline.
Comment: The G6PD c.1376G>T variant is predicted to result in the amino acid substitution p.Arg459Leu. This variant, also referred to as the "G6PD Canton" variant, has been reported many times as causative for glucose-6-phosphate dehydrogenase deficiency (see for examples: Wang et al. 2021. PubMed ID: 34659341; Nuchprayoon et al. 2002. PubMed ID: 11793482; Stevens et al. 1990. PubMed ID: 2263506; Yusoff et al. 2002. PubMed ID: 12215013). This variant is present in 1.1% of alleles in individuals of East Asian descent in gnomAD, including 43 hemizygotes, indicating this variant is common in this population. Given the evidence, we interpret this variant as pathogenic.

Genesolutions, Medical Genetics Institutes, Ho Chi Minh City, Vietnam
Classification: Pathogenic for Anemia, nonspherocytic hemolytic, due to G6PD deficiency. Last evaluated: 2025-09-24. Review status: criteria provided, single submitter. Criteria: ACMG Guidelines, 2015. Collection method: clinical testing. Allele origin: germline. Affected: yes.

ARUP Laboratories, Molecular Genetics and Genomics, ARUP Laboratories
Classification: Pathogenic. Last evaluated: 2025-04-16. Review status: criteria provided, single submitter. Criteria: ARUP Molecular Germline Variant Investigation Process 2024. Collection method: clinical testing. Allele origin: germline.
Comment: The G6PD c.1376G>T; p.Arg459Leu variant (rs72554665, ClinVar variation ID: 100058) is reported in the literature in the hemizygous, homozygous, and compound heterozygous states in individuals of East Asian descent affected with G6PD deficiency (Fu 2018, Stevens 1990, Tang 1992). Individuals carrying this variant have been shown to have G6PD enzymatic activity lower than levels found in the general Chinese population (Tang 1992) and this variant has been reported in 27.5% of positive newborn screens for G6PD deficiency in Guangxi, China (Fu 2018). This variant is found in the East Asian population with an overall allele frequency of 1.1% (157/14796 alleles, including 42 hemizygotes) in the Genome Aggregation Database (v2.1.1). Additionally, another missense variant at the same amino acid (p.Arg459Pro) has been observed in individuals with G6PD deficiency and is considered pathogenic (Calabro 1993). Computational analyses are uncertain whether this variant is neutral or deleterious (REVEL: 0.7). Based on available information, the p.Arg459Leu variant is considered to be pathogenic. References: Calabro V et al. Genetic heterogeneity of glucose-6-phosphate dehydrogenase deficiency revealed by single-strand conformation and sequence analysis. Am J Hum Genet. 1993 Mar;52(3):527-36. PMID: 8447319. Fu C et al. Newborn screening of glucose-6-phosphate dehydrogenase deficiency in Guangxi, China: determination of optimal cutoff value to identify heterozygous female neonates. Sci Rep. 2018 Jan 16;8(1):833. PMID: 29339739. Stevens D et al. G6PD Canton a common deficient variant in South East Asia caused by a 459 Arg----Leu mutation. Nucleic Acids Res. 1990: 18(23):7190. PMID: 2263506. Tang T et al. Diverse point mutations result in glucose-6-phosphate dehydrogenase (G6PD) polymorphism in Taiwan. Blood. 1992: 79(8):2135-40. PMID: 1562739.

Revvity Omics, Revvity
Classification: Pathogenic for Anemia, nonspherocytic hemolytic, due to G6PD deficiency. Last evaluated: 2025-01-19. Review status: criteria provided, single submitter. Criteria: ACMG Guidelines, 2015. Collection method: clinical testing. Allele origin: germline.

Blueprint Genetics
Classification: Pathogenic for G6PD-related disorders. Last evaluated: 2024-07-23. Review status: criteria provided, single submitter. Criteria: ACMG Guidelines, 2015. Collection method: clinical testing. Allele origin: germline. Affected: yes. Observed: 5 variant alleles.

Baylor Genetics
Classification: Pathogenic for Malaria, susceptibility to. Last evaluated: 2024-03-28. Review status: criteria provided, single submitter. Criteria: ACMG Guidelines, 2015. Collection method: clinical testing. Allele origin: unknown.

Fulgent Genetics
Classification: Pathogenic for Anemia, nonspherocytic hemolytic, due to G6PD deficiency; Malaria, susceptibility to. Last evaluated: 2024-02-07. Review status: criteria provided, single submitter. Criteria: ACMG Guidelines, 2015. Collection method: clinical testing. Allele origin: germline.